The following is an entry in ClinVar:

ClinVar aggregate classification (germline): Uncertain significance (1 of 4 stars; one submission).

Conditions:
BBS1-related disorder. Also called: BBS1-related condition.

gnomAD v4.1: 1 of 1,613,590 alleles (0.000062%); highest among the groups gnomAD compares: Non-Finnish European, 0.000085%; no homozygotes.

Submission:

PreventionGenetics, part of Exact Sciences
Classification: Uncertain significance for BBS1-related condition. Last evaluated: 2024-12-10. Review status: criteria provided, single submitter. Criteria: ACMG Guidelines, 2015. Collection method: clinical testing. Allele origin: germline.
Comment: The BBS1 c.1075C>G variant is predicted to result in the amino acid substitution p.Arg359Gly. To our knowledge, this variant has not been reported in the literature or in a large population database (gnomAD), indicating this variant is rare. At this time, the clinical significance of this variant is uncertain due to the absence of conclusive functional and genetic evidence.

NM_024649.5(BBS1):c.1075C>G (p.Arg359Gly)

Genes: BBS1 (Bardet-Biedl syndrome 1; plus strand), ZDHHC24 (zDHHC palmitoyltransferase 24; minus strand). Cytogenetic location: 11q13.2.
Variant type: single nucleotide variant.
Coding change: c.1075C>G on transcript NM_024649.5 (MANE Select); coding-DNA position 1075, C replaced by G.
Protein change: p.Arg359Gly; replaces arginine 359 with glycine.
Molecular consequence: missense variant. On other transcripts: intron variant (1).
Genome position (GRCh38, 1-based): chr11:66,523,847, C>G. VCF-style: chr11-66523847-C-G. GRCh37 (hg19) VCF-style: chr11-66291318-C-G.
Other names: c.*22-2381G>C (NM_001348571.2); short protein forms R359G.
Identifiers: ClinVar variation 5001818 (VCV005001818.1).